The following is an entry in ClinVar:

NM_014515.7(CNOT2):c.1200G>A (p.Ala400=)

Gene: CNOT2 (CCR4-NOT transcription complex subunit 2; plus strand). Cytogenetic location: 12q15.
Variant type: single nucleotide variant.
Coding change: c.1200G>A on transcript NM_014515.7 (MANE Select); coding-DNA position 1200, G replaced by A.
Protein change: p.Ala400=; no amino-acid change (alanine 400 retained).
Molecular consequence: synonymous variant. On other transcripts: non-coding transcript variant (1).
Genome position (GRCh38, 1-based): chr12:70,342,128, G>A. VCF-style: chr12-70342128-G-A. GRCh37 (hg19) VCF-style: chr12-70735908-G-A.
Other names: c.1200G>A, p.Ala400= (NM_001199302.2, NM_001199303.2, NM_001414651.1 and 1 more transcripts); c.1173G>A, p.Ala391= (NM_001414653.1, NM_001414654.1, NM_001414655.1); c.1158G>A, p.Ala386= (NM_001414656.1); c.1140G>A, p.Ala380= (NM_001414657.1, NM_001414658.1, NM_001414659.1 and 1 more transcripts); c.1077G>A, p.Ala359= (NM_001414661.1); c.1017G>A, p.Ala339= (NM_001414662.1).
Identifiers: ClinVar variation 4872704 (VCV004872704.2).

ClinVar aggregate classification (germline): Likely benign (1 of 4 stars; one submission).

gnomAD v4.1: 135 of 1,606,434 alleles (0.0084%); highest among the groups gnomAD compares: Middle Eastern, 0.15%; no homozygotes.

Submission:

CeGaT Center for Human Genetics Tuebingen
Classification: Likely benign. Last evaluated: 2026-05-01. Review status: criteria provided, single submitter. Criteria: CeGaT Center For Human Genetics Tuebingen Variant Classification Criteria Version 2. Collection method: clinical testing. Allele origin: germline. Affected: yes. Observed: 1 variant allele.
Comment: CNOT2: BP4, BP7